The following is an entry in ClinVar:

ClinVar aggregate classification (germline): Uncertain significance (1 of 4 stars; one submission).

Conditions:
Familial adenomatous polyposis 1 (FAP1). Also called: FAMILIAL ADENOMATOUS POLYPOSIS 1, ATTENUATED; POLYPOSIS, ADENOMATOUS INTESTINAL. Identifiers: MedGen C2713442, MONDO:0021056, OMIM 175100. Disease mechanism: loss of function.

Submission:

Labcorp Genetics (formerly Invitae), Labcorp
Classification: Uncertain significance for Familial adenomatous polyposis 1. Last evaluated: 2018-02-16. Review status: criteria provided, single submitter. Criteria: Invitae Variant Classification Sherloc (09022015). Collection method: clinical testing. Allele origin: germline.
Comment: This variant is not present in population databases (ExAC no frequency). This sequence change replaces glutamine with histidine at codon 793 of the APC protein (p.Gln793His). The glutamine residue is moderately conserved and there is a small physicochemical difference between glutamine and histidine. This variant has not been reported in the literature in individuals with APC-related disease. Algorithms developed to predict the effect of missense changes on protein structure and function (SIFT, PolyPhen-2, Align-GVGD) all suggest that this variant is likely to be tolerated, but these predictions have not been confirmed by published functional studies and their clinical significance is uncertain. In summary, the available evidence is currently insufficient to determine the role of this variant in disease. Therefore, it has been classified as a Variant of Uncertain Significance.

NM_000038.6(APC):c.2379A>C (p.Gln793His)

Gene: APC (APC regulator of Wnt signaling pathway; plus strand). Cytogenetic location: 5q22.2.
Variant type: single nucleotide variant.
Coding change: c.2379A>C on transcript NM_000038.6 (MANE Select); coding-DNA position 2379, A replaced by C.
Protein change: p.Gln793His; replaces glutamine 793 with histidine.
Molecular consequence: missense variant.
Genome position (GRCh38, 1-based): chr5:112,837,973, A>C. VCF-style: chr5-112837973-A-C. GRCh37 (hg19) VCF-style: chr5-112173670-A-C.
Other names: c.2379A>C, p.Gln793His (NM_001127510.3, NM_001354895.2); c.2325A>C, p.Gln775His (NM_001127511.3); c.2433A>C, p.Gln811His (NM_001354896.2); c.2409A>C, p.Gln803His (NM_001354897.2); c.2304A>C, p.Gln768His (NM_001354898.2); c.2295A>C, p.Gln765His (NM_001354899.2); c.2256A>C, p.Gln752His (NM_001354900.2); c.2202A>C, p.Gln734His (NM_001354901.2); and 5 more; short protein forms Q775H, Q793H, Q702H, Q765H, Q768H, Q667H, Q752H, Q811H.
Identifiers: ClinVar variation 565677 (VCV000565677.10), dbSNP rs1554084111, ClinGen allele CA16026559.
Genomic context (GRCh38, chr5:112,837,973, plus strand): 5'-TGACAATATAGACAATTTAAGTCCCAAGGCATCTCATCGTAGTAAGCAGAGACACAAGCA[A>C]AGTCTCTATGGTGATTATGTTTTTGACACCAATCGACATGATGATAATAGGTCAGACAAT-3'
Protein context (NP_000029.2, residues 783-803): ASHRSKQRHK[Gln793His]SLYGDYVFDT